The following is an entry in ClinVar:

NM_001367493.1(ARHGEF4):c.3748G>A (p.Val1250Ile)

Gene: ARHGEF4 (Rho guanine nucleotide exchange factor 4; plus strand). Cytogenetic location: 2q21.1.
Variant type: single nucleotide variant.
Coding change: c.3748G>A on transcript NM_001367493.1 (MANE Select); coding-DNA position 3748, G replaced by A.
Protein change: p.Val1250Ile; replaces valine 1250 with isoleucine.
Molecular consequence: missense variant.
Genome position (GRCh38, 1-based): chr2:130,931,147, G>A. VCF-style: chr2-130931147-G-A. GRCh37 (hg19) VCF-style: chr2-131688720-G-A.
Other names: c.235G>A, p.Val79Ile (NM_001375900.1); c.79G>A, p.Val27Ile (NM_001375901.1); c.190G>A, p.Val64Ile (NM_015320.4); c.190G>A (NM_015320.3); short protein forms V64I, V1250I, V27I, V79I.
Identifiers: ClinVar variation 2212430 (VCV002212430.4), dbSNP rs141778984, ClinGen allele CA1874886.

ClinVar aggregate classification (germline): Likely benign. Review status: criteria provided, single submitter (1 of 4 stars). 2 submissions from 2 submitters: Likely benign (1). 1 of the submissions does not count toward it. Last evaluated 2021-09-01.

Conditions:
ARHGEF4-related disorder. Also called: ARHGEF4-related condition.

Allele frequency attached by ClinVar (database versions not stated): 1000 Genomes Project 30x 0.00016; 1000 Genomes Project 0.00020; ExAC 0.00025; gnomAD 0.00058; TOPMed 0.00064; ESP Exome Variant Server 0.00092.
gnomAD v4.1: 288 of 1,614,196 alleles (0.018%); highest among the groups gnomAD compares: African/African-American, 0.22%; no homozygotes.

Submissions (2):

Ambry Genetics
Classification: Likely benign. Last evaluated: 2021-09-01. Review status: criteria provided, single submitter. Criteria: Ambry Variant Classification Scheme 2023. Collection method: clinical testing. Allele origin: germline.

PreventionGenetics, part of Exact Sciences
Classification: Likely benign for ARHGEF4-related condition. Last evaluated: 2019-03-21. Review status: no assertion criteria provided. Collection method: clinical testing. Allele origin: germline. Not counted in ClinVar's aggregate classification.
Comment: This variant is classified as likely benign based on ACMG/AMP sequence variant interpretation guidelines (Richards et al. 2015 PMID: 25741868, with internal and published modifications).